The following is an entry in ClinVar:

ClinVar aggregate classification (germline): Uncertain significance (1 of 4 stars; one submission).

Conditions:
RASopathy. Also called: rasopathies; Noonan spectrum disorder. Identifiers: Orphanet 536391, MedGen C5555857, MONDO:0021060.

gnomAD v4.1: 1 of 1,611,954 alleles (0.000062%); highest among the groups gnomAD compares: African/African-American, 0.0013%; no homozygotes.

Submission:

Labcorp Genetics (formerly Invitae), Labcorp
Classification: Uncertain significance for RASopathy. Last evaluated: 2026-01-19. Review status: criteria provided, single submitter. Criteria: Invitae Variant Classification Sherloc (09022015). Collection method: clinical testing. Allele origin: germline.
Comment: This sequence change replaces serine, which is neutral and polar, with cysteine, which is neutral and slightly polar, at codon 77 of the SOS1 protein (p.Ser77Cys). This variant is not present in population databases (gnomAD no frequency). This variant has not been reported in the literature in individuals affected with SOS1-related conditions. Invitae Evidence Modeling of protein sequence and biophysical properties (such as structural, functional, and spatial information, amino acid conservation, physicochemical variation, residue mobility, and thermodynamic stability) has been performed for this missense variant. However, the output from this modeling did not meet the statistical confidence thresholds required to predict the impact of this variant on SOS1 protein function. In summary, the available evidence is currently insufficient to determine the role of this variant in disease. Therefore, it has been classified as a Variant of Uncertain Significance.

NM_005633.4(SOS1):c.229A>T (p.Ser77Cys)

Gene: SOS1 (SOS Ras/Rac guanine nucleotide exchange factor 1; minus strand). Cytogenetic location: 2p22.1.
Variant type: single nucleotide variant.
Coding change: c.229A>T on transcript NM_005633.4 (MANE Select); coding-DNA position 229, A replaced by T.
Protein change: p.Ser77Cys; replaces serine 77 with cysteine.
Molecular consequence: missense variant.
Genome position (GRCh38, 1-based): chr2:39,058,789, T>A on the plus strand (A>T on the coding strand, the complement: SOS1 is on the minus strand). VCF-style: chr2-39058789-T-A. GRCh37 (hg19) VCF-style: chr2-39285930-T-A.
Other names: c.208A>T, p.Ser70Cys (NM_001382394.1); c.229A>T, p.Ser77Cys (NM_001382395.1); short protein forms S77C, S70C.
Identifiers: ClinVar variation 4706222 (VCV004706222.1).